The following is an entry in ClinVar:

NM_004385.5(VCAN):c.1605G>T (p.Met535Ile)

Gene: VCAN (versican; plus strand). Cytogenetic location: 5q14.3.
Variant type: single nucleotide variant.
Coding change: c.1605G>T on transcript NM_004385.5 (MANE Select); coding-DNA position 1605, G replaced by T.
Protein change: p.Met535Ile; replaces methionine 535 with isoleucine.
Molecular consequence: missense variant. On other transcripts: intron variant (2).
Genome position (GRCh38, 1-based): chr5:83,519,911, G>T. VCF-style: chr5-83519911-G-T. GRCh37 (hg19) VCF-style: chr5-82815730-G-T.
Other names: c.1605G>T, p.Met535Ile (NM_001164098.2); c.1042+7515G>T (NM_001164097.2, NM_001126336.3); short protein forms M535I.
Identifiers: ClinVar variation 2695652 (VCV002695652.3), dbSNP rs2479048604, ClinGen allele CA360301218.
Genomic context (GRCh38, chr5:83,519,911, plus strand): 5'-AACTGAAACACCATTGGTAACTGCAAGAATGATCCTGGAATCCAAAACTGAAAAGAAAAT[G>T]GTAAGCACTGTTTCTGAATTGGTAACCACAGGTCACTATGGATTCACCTTGGGAGAAGAG-3'
Protein context (NP_004376.2, residues 525-545): MILESKTEKK[Met535Ile]VSTVSELVTT

ClinVar aggregate classification (germline): Uncertain significance (1 of 4 stars; one submission).

Submission:

Labcorp Genetics (formerly Invitae), Labcorp
Classification: Uncertain significance. Last evaluated: 2023-09-11. Review status: criteria provided, single submitter. Criteria: Invitae Variant Classification Sherloc (09022015). Collection method: clinical testing. Allele origin: germline.
Comment: In summary, the available evidence is currently insufficient to determine the role of this variant in disease. Therefore, it has been classified as a Variant of Uncertain Significance. An algorithm developed to predict the effect of missense changes on protein structure and function (PolyPhen-2) suggests that this variant is likely to be tolerated. This variant has not been reported in the literature in individuals affected with VCAN-related conditions. This variant is not present in population databases (gnomAD no frequency). This sequence change replaces methionine, which is neutral and non-polar, with isoleucine, which is neutral and non-polar, at codon 535 of the VCAN protein (p.Met535Ile).